The following is an entry in ClinVar:

ClinVar aggregate classification (germline): Uncertain significance (1 of 4 stars; one submission).

Conditions:
Dilated Cardiomyopathy, Recessive.

Submission:

Labcorp Genetics (formerly Invitae), Labcorp
Classification: Uncertain significance. Last evaluated: 2019-12-17. Review status: criteria provided, single submitter. Criteria: Invitae Variant Classification Sherloc (09022015). Collection method: clinical testing. Allele origin: germline.
Comment: In summary, the available evidence is currently insufficient to determine the role of this variant in disease. Therefore, it has been classified as a Variant of Uncertain Significance. Experimental studies and prediction algorithms are not available or were not evaluated, and the functional significance of this variant is currently unknown. This variant has not been reported in the literature in individuals with PLEKHM2-related conditions. This variant is a sub-genic deletion of the genomic region encompassing exons 17-19 of the PLEKHM2 gene. While this deletion is not anticipated to result in nonsense mediated decay, it is expected to create a truncated protein product.

NC_000001.11:g.(?_15731879)_(15732738_?)del

Gene: PLEKHM2 (pleckstrin homology and RUN domain containing M2; plus strand). Cytogenetic location: 1p36.21.
Variant type: Deletion.
Identifiers: ClinVar variation 831667 (VCV000831667.5).